The following is an entry in ClinVar:

NM_005515.4(MNX1):c.68C>T (p.Ala23Val)

Gene: MNX1 (motor neuron and pancreas homeobox 1; minus strand). Cytogenetic location: 7q36.3.
Variant type: single nucleotide variant.
Coding change: c.68C>T on transcript NM_005515.4 (MANE Select); coding-DNA position 68, C replaced by T.
Protein change: p.Ala23Val; replaces alanine 23 with valine.
Molecular consequence: missense variant.
Genome position (GRCh38, 1-based): chr7:157,010,283, G>A on the plus strand (C>T on the coding strand, the complement: MNX1 is on the minus strand). VCF-style: chr7-157010283-G-A. GRCh37 (hg19) VCF-style: chr7-156802977-G-A.
Other names: c.68C>T (NM_005515.3); short protein forms A23V.
Identifiers: ClinVar variation 2421092 (VCV002421092.9), dbSNP rs751183447, ClinGen allele CA4589307.

ClinVar aggregate classification (germline): Uncertain significance. Review status: criteria provided, multiple submitters, no conflicts (2 of 4 stars). 2 submissions from 2 submitters: Uncertain significance (2). Last evaluated 2025-07-09.

Conditions:
Inborn genetic diseases. Identifiers: MedGen C0950123, MeSH D030342.

Allele frequency attached by ClinVar (database versions not stated): TOPMed 0.00006; gnomAD 0.00007; gnomAD exomes 0.00014; ExAC 0.00016.
gnomAD v4.1: 206 of 1,562,602 alleles (0.013%); highest among the groups gnomAD compares: Non-Finnish European, 0.017%; no homozygotes.

Submissions (2):

Labcorp Genetics (formerly Invitae), Labcorp
Classification: Uncertain significance. Last evaluated: 2025-07-09. Review status: criteria provided, single submitter. Criteria: Invitae Variant Classification Sherloc (09022015). Collection method: clinical testing. Allele origin: germline.
Comment: This sequence change replaces alanine, which is neutral and non-polar, with valine, which is neutral and non-polar, at codon 23 of the MNX1 protein (p.Ala23Val). The frequency data for this variant in the population databases is considered unreliable, as metrics indicate poor data quality at this position in the gnomAD database. This variant has not been reported in the literature in individuals affected with MNX1-related conditions. ClinVar contains an entry for this variant (Variation ID: 2421092). Experimental studies and prediction algorithms are not available or were not evaluated, and the functional significance of this variant is currently unknown. In summary, the available evidence is currently insufficient to determine the role of this variant in disease. Therefore, it has been classified as a Variant of Uncertain Significance.

Ambry Genetics
Classification: Uncertain significance for Inborn genetic diseases. Last evaluated: 2023-03-22. Review status: criteria provided, single submitter. Criteria: Ambry Variant Classification Scheme 2023. Collection method: clinical testing. Allele origin: germline.